The following is an entry in ClinVar:

NM_001252102.2(KIF21B):c.433G>C (p.Ala145Pro)

Gene: KIF21B (kinesin family member 21B; minus strand). Cytogenetic location: 1q32.1.
Variant type: single nucleotide variant.
Coding change: c.433G>C on transcript NM_001252102.2 (MANE Select); coding-DNA position 433, G replaced by C.
Protein change: p.Ala145Pro; replaces alanine 145 with proline.
Molecular consequence: missense variant.
Genome position (GRCh38, 1-based): chr1:201,008,783, C>G on the plus strand (G>C on the coding strand, the complement: KIF21B is on the minus strand). VCF-style: chr1-201008783-C-G. GRCh37 (hg19) VCF-style: chr1-200977911-C-G.
Other names: c.433G>C, p.Ala145Pro (NM_001252100.2, NM_001252103.2, NM_017596.4); short protein forms A145P.
Identifiers: ClinVar variation 1342911 (VCV001342911.1), dbSNP rs368704611, ClinGen allele CA344117443.
Genomic context (GRCh38, chr1:201,008,783, plus strand): 5'-TTGTCCACCAAGCCTCCCACCTGCCCACCCTATGGGGCCACAGTACCTCCAGAAACTGGG[C>G]GCTGACTTTGAACTCAGGTCCAGCCACGCCCTGCTCCTGTGCCCGGCGCTTGCGCTCGGC-3'
Protein context (NP_001239031.1, residues 135-155): GVAGPEFKVS[Ala145Pro]QFLELYNEEI

ClinVar aggregate classification (germline): Uncertain significance (1 of 4 stars; one submission).

Conditions:
Cerebral ischemia. Also called: Brain ischemia. Identifiers: MedGen C0917798, MONDO:0005299, HP:0002637.
Moderate global developmental delay. Identifiers: MedGen C2237142, HP:0011343.
Pachygyria. Also called: Macrogyria. Identifiers: MedGen C0266483, HP:0001302.
Hypotonia. Also called: Muscular hypotonia; poor muscle tone. Identifiers: MedGen C0026827, HP:0001252.

Submission:

Institute of Human Genetics, University of Leipzig Medical Center
Classification: Uncertain significance for Hypotonia; Pachygyria; Cerebral ischemia; Moderate global developmental delay. Last evaluated: 2022-03-01. Review status: criteria provided, single submitter. Criteria: ACMG Guidelines, 2015. Collection method: clinical testing. Allele origin: unknown. Affected: yes.
Comment: _x000D_ Criteria applied: PM1_SUP, PM2_SUP, PP3